The following is an entry in ClinVar:

NM_016492.5(RANGRF):c.151C>G (p.Leu51Val)

Genes: RANGRF (RAN guanine nucleotide release factor; plus strand), SLC25A35 (solute carrier family 25 member 35; minus strand), LOC130060241 (ATAC-STARR-seq lymphoblastoid active region 11693; plus strand). Cytogenetic location: 17p13.1.
Variant type: single nucleotide variant.
Coding change: c.151C>G on transcript NM_016492.5 (MANE Select); coding-DNA position 151, C replaced by G.
Protein change: p.Leu51Val; replaces leucine 51 with valine.
Molecular consequence: missense variant. On other transcripts: 3 prime UTR variant (2), non-coding transcript variant (2), intron variant (1).
Genome position (GRCh38, 1-based): chr17:8,289,029, C>G. VCF-style: chr17-8289029-C-G. GRCh37 (hg19) VCF-style: chr17-8192347-C-G.
Other names: p.L51V:CTT>GTT; c.*454G>C (NM_001320872.2); c.*587G>C (NM_201520.3); c.*42+545G>C (NM_001320871.2); c.151C>G, p.Leu51Val (NM_001177801.2, NM_001177802.2, NM_001330127.2); short protein forms L51V.
Identifiers: ClinVar variation 190844 (VCV000190844.4), dbSNP rs786205827, ClinGen allele CA302123.

ClinVar aggregate classification (germline): Uncertain significance (1 of 4 stars; one submission).

Allele frequency attached by ClinVar (database versions not stated): gnomAD exomes 0.00001; TOPMed below 0.00001.
gnomAD v4.1: 4 of 1,614,080 alleles (0.00025%); highest among the groups gnomAD compares: Non-Finnish European, 0.00034%; no homozygotes.

Submission:

GeneDx
Classification: Uncertain significance. Last evaluated: 2016-05-23. Review status: criteria provided, single submitter. Criteria: GeneDx Variant Classification (06012015). Collection method: clinical testing. Allele origin: germline. Affected: yes.
Comment: The L51V variant has not been published as a mutation, nor has it been reported as a benign polymorphism to our knowledge. The L51V variant was not observed in approximately 6,500 individuals of European and African American ancestry in the NHLBI Exome Sequencing Project, indicating it is not a common benign variant in these populations. The L51V variant is a conservative amino acid substitution, which is not likely to impact secondary protein structure as these residues share similar properties. This substitution occurs at a position that is conserved through mammals. In silico analysis predicts this variant is probably damaging to the protein structure/function. However, no missense mutations in nearby residues have been reported in association with arrhythmia, indicating this region of the protein may be tolerant of change. Therefore, based on the currently available information, it is unclear whether this variant is a pathogenic mutation or a rare benign variant.